The following is an entry in ClinVar:

NM_001385125.1(OPN1SW):c.242G>C (p.Cys81Ser)

Gene: OPN1SW (opsin 1, short wave sensitive; minus strand). Cytogenetic location: 7q32.1.
Variant type: single nucleotide variant.
Coding change: c.242G>C on transcript NM_001385125.1 (MANE Select); coding-DNA position 242, G replaced by C.
Protein change: p.Cys81Ser; replaces cysteine 81 with serine.
Molecular consequence: missense variant.
Genome position (GRCh38, 1-based): chr7:128,775,540, C>G on the plus strand (G>C on the coding strand, the complement: OPN1SW is on the minus strand). VCF-style: chr7-128775540-C-G. GRCh37 (hg19) VCF-style: chr7-128415594-C-G.
Other names: short protein forms C81S.
Identifiers: ClinVar variation 3686408 (VCV003686408.2).

ClinVar aggregate classification (germline): Uncertain significance (1 of 4 stars; one submission).

gnomAD v4.1: 7 of 1,613,944 alleles (0.00043%); highest among the groups gnomAD compares: Non-Finnish European, 0.00059%; no homozygotes.

Submission:

Labcorp Genetics (formerly Invitae), Labcorp
Classification: Uncertain significance. Last evaluated: 2024-10-12. Review status: criteria provided, single submitter. Criteria: Invitae Variant Classification Sherloc (09022015). Collection method: clinical testing. Allele origin: germline.
Comment: This sequence change replaces cysteine, which is neutral and slightly polar, with serine, which is neutral and polar, at codon 84 of the OPN1SW protein (p.Cys84Ser). This variant is present in population databases (no rsID available, gnomAD 0.0009%). This variant has not been reported in the literature in individuals affected with OPN1SW-related conditions. An algorithm developed to predict the effect of missense changes on protein structure and function (PolyPhen-2) suggests that this variant is likely to be disruptive. In summary, the available evidence is currently insufficient to determine the role of this variant in disease. Therefore, it has been classified as a Variant of Uncertain Significance.